The following is an entry in ClinVar:

NM_000535.7(PMS2):c.1895T>G (p.Leu632Ter)

Gene: PMS2 (PMS1 homolog 2, mismatch repair system component; minus strand). Cytogenetic location: 7p22.1.
Variant type: single nucleotide variant.
Coding change: c.1895T>G on transcript NM_000535.7 (MANE Select); coding-DNA position 1895, T replaced by G.
Protein change: p.Leu632Ter; replaces leucine 632 with a stop codon.
Molecular consequence: nonsense. On other transcripts: non-coding transcript variant (1).
Genome position (GRCh38, 1-based): chr7:5,986,870, A>C on the plus strand (T>G on the coding strand, the complement: PMS2 is on the minus strand). VCF-style: chr7-5986870-A-C. GRCh37 (hg19) VCF-style: chr7-6026501-A-C.
Other names: c.1586T>G, p.Leu529Ter (NM_001406875.1, NM_001406877.1, NM_001406878.1 and 5 more transcripts); c.1577T>G, p.Leu526Ter (NM_001406876.1, NM_001406883.1, NM_001406903.1 and 2 more transcripts); c.1571T>G, p.Leu524Ter (NM_001406884.1); c.1490T>G, p.Leu497Ter (NM_001406894.1, NM_001406895.1, NM_001406896.1 and 17 more transcripts); c.1430T>G, p.Leu477Ter (NM_001406900.1); c.1421T>G, p.Leu474Ter (NM_001406901.1, NM_001406902.1); c.1739T>G, p.Leu580Ter (NM_001322006.2, NM_001406870.1); c.1334T>G, p.Leu445Ter (NM_001322010.2, NM_001406906.1, NM_001406907.1); and 12 more; short protein forms L474*, L524*, L632*, L640*, L694*, L375*, L461*, L477*.
Identifiers: ClinVar variation 1782144 (VCV001782144.4), dbSNP rs2128721689, ClinGen allele CA366739379.

ClinVar aggregate classification (germline): Pathogenic. Review status: criteria provided, multiple submitters, no conflicts (2 of 4 stars). 2 submissions from 2 submitters: Pathogenic (2). Last evaluated 2026-05-04.

Conditions:
Hereditary cancer-predisposing syndrome. Also called: Neoplastic Syndromes, Hereditary; Tumor predisposition; Hereditary Cancer Syndrome; Hereditary neoplastic syndrome. Identifiers: Orphanet 140162, MedGen C0027672, MeSH D009386, MONDO:0015356.
Lynch syndrome 4 (LYNCH4). Also called: Colorectal cancer, hereditary nonpolyposis, type 4; Hereditary non-polyposis colorectal cancer, type 4. Identifiers: Orphanet 144, MedGen C1838333, MONDO:0013699, OMIM 614337. Disease mechanism: loss of function.

Submissions (2):

Ambry Genetics
Classification: Pathogenic for Hereditary cancer-predisposing syndrome. Last evaluated: 2026-05-04. Review status: criteria provided, single submitter. Criteria: Ambry Variant Classification Scheme 2023. Collection method: clinical testing. Allele origin: germline.
Comment: The p.L632* pathogenic mutation (also known as c.1895T>G), located in coding exon 11 of the PMS2 gene, results from a T to G substitution at nucleotide position 1895. This changes the amino acid from a leucine to a stop codon within coding exon 11. This variant is considered to be rare based on population cohorts in the Genome Aggregation Database (gnomAD). This alteration is expected to result in loss of function by premature protein truncation or nonsense-mediated mRNA decay. As such, this alteration is interpreted as a disease-causing mutation.

Myriad Genetics, Inc.
Classification: Pathogenic for Lynch syndrome 4. Last evaluated: 2023-09-21. Review status: criteria provided, single submitter. Criteria: Myriad Autosomal Dominant, Autosomal Recessive and X-Linked Classification Criteria (2023). Collection method: clinical testing. Allele origin: unknown.
Comment: This variant is considered pathogenic. This variant creates a termination codon and is predicted to result in premature protein truncation.